The following is an entry in ClinVar:

NM_001382567.1(STIM1):c.409G>A (p.Val137Met)

Gene: STIM1 (stromal interaction molecule 1; plus strand). Cytogenetic location: 11p15.4.
Variant type: single nucleotide variant.
Coding change: c.409G>A on transcript NM_001382567.1 (MANE Select); coding-DNA position 409, G replaced by A.
Protein change: p.Val137Met; replaces valine 137 with methionine.
Molecular consequence: missense variant. On other transcripts: 5 prime UTR variant (2), non-coding transcript variant (3), intron variant (2).
Genome position (GRCh38, 1-based): chr11:4,055,549, G>A. VCF-style: chr11-4055549-G-A. GRCh37 (hg19) VCF-style: chr11-4076779-G-A.
Other names: c.409G>A, p.Val137Met (NM_001277961.3, NM_001277962.2, NM_003156.4 and 2 more transcripts); c.187G>A, p.Val63Met (NM_001382566.1, NM_001382573.1, NM_001382574.1 and 5 more transcripts); c.-81G>A (NM_001382580.1, NM_001382581.1); c.386-14477G>A (NM_001382570.1); c.18-3732G>A (NM_001382571.1); c.274G>A, p.Val92Met (NM_001382569.1); short protein forms V137M, V92M, V63M.
Identifiers: ClinVar variation 2103102 (VCV002103102.4), dbSNP rs2498234858, ClinGen allele CA379485483.
Genomic context (GRCh38, chr11:4,055,549, plus strand): 5'-ATTCTAGAGTCATGGCTTTGCTTGTCTCTTTTCACAGTATACAATTGGACCGTGGATGAG[G>A]TGGTACAGTGGCTGATCACATATGTGGAGCTGCCTCAGTATGAGGAGACCTTCCGGAAGC-3'
Protein context (NP_001369496.1, residues 127-147): SEVYNWTVDE[Val137Met]VQWLITYVEL

ClinVar aggregate classification (germline): Uncertain significance (1 of 4 stars; one submission).

Conditions:
Stormorken syndrome (STRMK). Also called: THROMBOCYTOPATHY, ASPLENIA, AND MIOSIS. Identifiers: Orphanet 3204, MedGen C1861451, MONDO:0008497, OMIM 185070.
Combined immunodeficiency due to STIM1 deficiency. Also called: IMMUNODEFICIENCY 10; STIM1 DEFICIENCY. Identifiers: Orphanet 169090, Orphanet 317430, MedGen C2748557, MONDO:0013008, OMIM 612783.
Myopathy with tubular aggregates (TAM). Also called: Tubular Aggregate Myopathy. Identifiers: Orphanet 2593, MedGen C0410207, MONDO:0008051.

gnomAD v4.1: 2 of 1,600,796 alleles (0.00012%); highest among the groups gnomAD compares: South Asian, 0.0023%; no homozygotes.

Submission:

Labcorp Genetics (formerly Invitae), Labcorp
Classification: Uncertain significance for Myopathy with tubular aggregates; Combined immunodeficiency due to STIM1 deficiency; Stormorken syndrome. Last evaluated: 2024-04-22. Review status: criteria provided, single submitter. Criteria: Invitae Variant Classification Sherloc (09022015). Collection method: clinical testing. Allele origin: germline.
Comment: This sequence change replaces valine, which is neutral and non-polar, with methionine, which is neutral and non-polar, at codon 137 of the STIM1 protein (p.Val137Met). This variant is not present in population databases (gnomAD no frequency). This variant has not been reported in the literature in individuals affected with STIM1-related conditions. ClinVar contains an entry for this variant (Variation ID: 2103102). Advanced modeling of protein sequence and biophysical properties (such as structural, functional, and spatial information, amino acid conservation, physicochemical variation, residue mobility, and thermodynamic stability) has been performed at Invitae for this missense variant, however the output from this modeling did not meet the statistical confidence thresholds required to predict the impact of this variant on STIM1 protein function. In summary, the available evidence is currently insufficient to determine the role of this variant in disease. Therefore, it has been classified as a Variant of Uncertain Significance.